The following is an entry in ClinVar:

ClinVar aggregate classification (germline): Pathogenic (1 of 4 stars; one submission).

Conditions:
Autosomal recessive polycystic kidney disease (ARPKD). Also called: AR polycystic kidney disease. Identifiers: Orphanet 731, Orphanet 8378, MedGen C0085548, MeSH D017044, MONDO:0009889.

Submission:

Labcorp Genetics (formerly Invitae), Labcorp
Classification: Pathogenic for Autosomal recessive polycystic kidney disease. Last evaluated: 2023-03-03. Review status: criteria provided, single submitter. Criteria: Invitae Variant Classification Sherloc (09022015). Collection method: clinical testing. Allele origin: germline.
Comment: For these reasons, this variant has been classified as Pathogenic. This variant has not been reported in the literature in individuals affected with PKHD1-related conditions. This variant is not present in population databases (gnomAD no frequency). This sequence change creates a premature translational stop signal (p.Glu1482Glnfs*16) in the PKHD1 gene. It is expected to result in an absent or disrupted protein product. Loss-of-function variants in PKHD1 are known to be pathogenic (PMID: 19940839).

Literature cited by the submitters: PubMed 19940839.

NM_138694.4(PKHD1):c.4444_4450del (p.Glu1482fs)

Gene: PKHD1 (PKHD1 ciliary IPT domain containing fibrocystin/polyductin; minus strand). Cytogenetic location: 6p12.2.
Variant type: Deletion.
Coding change: c.4444_4450del on transcript NM_138694.4 (MANE Select); coding-DNA positions 4444 to 4450, 7 bases deleted (GAAGAGG; older notation c.4444_4450delGAAGAGG).
Protein change: p.Glu1482fs; shifts the reading frame from glutamic acid 1482.
Molecular consequence: frameshift variant.
Genome position (GRCh38, 1-based): chr6:52,025,360-52,025,366, CCTCTTC deleted on the plus strand (GAAGAGG on the coding strand, the reverse complement: PKHD1 is on the minus strand); deleting any 7 consecutive bases within chr6:52,025,360-52,025,369 gives the same sequence; the c. name uses the placement nearest the transcript's 3' end. VCF-style (leftmost placement, unchanged base first): chr6-52025359-GCCTCTTC-G. GRCh37 (hg19) VCF-style: chr6-51890157-GCCTCTTC-G.
Other names: c.4444_4450del, p.Glu1482fs (NM_170724.3); short protein forms E1482fs.
Identifiers: ClinVar variation 2842686 (VCV002842686.3), dbSNP rs2532711845, ClinGen allele CA2739273116.